The following is an entry in ClinVar:

ClinVar aggregate classification (germline): Uncertain significance. Review status: criteria provided, multiple submitters, no conflicts (2 of 4 stars). 3 submissions from 3 submitters: Uncertain significance (2). 1 of the submissions does not count toward it. Last evaluated 2025-08-09.

Conditions:
CNTNAP1-related disorder. Also called: CNTNAP1-related condition; CNTNAP1-related disease.
Inborn genetic diseases. Identifiers: MedGen C0950123, MeSH D030342.

gnomAD v4.1: 4 of 1,613,738 alleles (0.00025%); highest among the groups gnomAD compares: African/African-American, 0.0027%; no homozygotes.

Submissions (3):

Ambry Genetics
Classification: Uncertain significance for Inborn genetic diseases. Last evaluated: 2025-08-09. Review status: criteria provided, single submitter. Criteria: Ambry Variant Classification Scheme 2023. Collection method: clinical testing. Allele origin: germline.

GeneDx
Classification: Uncertain significance. Last evaluated: 2023-05-14. Review status: criteria provided, single submitter. Criteria: GeneDx Variant Classification Process June 2021. Collection method: clinical testing. Allele origin: germline. Affected: yes.
Comment: Not observed at significant frequency in large population cohorts (gnomAD); In silico analysis supports that this missense variant has a deleterious effect on protein structure/function; Has not been previously published as pathogenic or benign to our knowledge

PreventionGenetics, part of Exact Sciences
Classification: Uncertain significance for CNTNAP1-related condition. Last evaluated: 2024-07-03. Review status: no assertion criteria provided. Collection method: clinical testing. Allele origin: germline. Not counted in ClinVar's aggregate classification.
Comment: The CNTNAP1 c.3488C>T variant is predicted to result in the amino acid substitution p.Pro1163Leu. To our knowledge, this variant has not been reported in the literature. This variant is reported in 0.0080% of alleles in individuals of African descent in gnomAD. At this time, the clinical significance of this variant is uncertain due to the absence of conclusive functional and genetic evidence.

NM_003632.3(CNTNAP1):c.3488C>T (p.Pro1163Leu)

Gene: CNTNAP1 (contactin associated protein 1; plus strand). Cytogenetic location: 17q21.2.
Variant type: single nucleotide variant.
Coding change: c.3488C>T on transcript NM_003632.3 (MANE Select); coding-DNA position 3488, C replaced by T.
Protein change: p.Pro1163Leu; replaces proline 1163 with leucine.
Molecular consequence: missense variant.
Genome position (GRCh38, 1-based): chr17:42,697,287, C>T. VCF-style: chr17-42697287-C-T. GRCh37 (hg19) VCF-style: chr17-40849305-C-T.
Other names: short protein forms P1163L.
Identifiers: ClinVar variation 3343382 (VCV003343382.2).
Genomic context (GRCh38, chr17:42,697,287, plus strand): 5'-TGGTCCCCGCTCCCTCATCGCCCTCCCCCTCCCCCTCCCCACCTCAGGTGGACTACTTCC[C>T]ACTGACAGAGCAGAAGTTCTCGCTGTTGGTGGACAGCCAGTTGGACTCACCCAAGGCCTT-3'
Protein context (NP_003623.1, residues 1153-1173): RNLFIQVDYF[Pro1163Leu]LTEQKFSLLV